The following is an entry in ClinVar:

NM_001374385.1(ATP8B1):c.3654G>A (p.Ala1218=)

Genes: ATP8B1 (ATPase phospholipid transporting 8B1; minus strand), ATP8B1-AS1 (ATP8B1 antisense RNA 1; plus strand). Cytogenetic location: 18q21.31.
Variant type: single nucleotide variant.
Coding change: c.3654G>A on transcript NM_001374385.1 (MANE Select); coding-DNA position 3654, G replaced by A.
Protein change: p.Ala1218=; no amino-acid change (alanine 1218 retained).
Molecular consequence: synonymous variant.
Genome position (GRCh38, 1-based): chr18:57,648,590, C>T on the plus strand (G>A on the coding strand, the complement: ATP8B1 is on the minus strand). VCF-style: chr18-57648590-C-T. GRCh37 (hg19) VCF-style: chr18-55315822-C-T.
Other names: c.3504G>A, p.Ala1168= (NM_001374386.1); c.3654G>A, p.Ala1218= (NM_005603.6).
Identifiers: ClinVar variation 327467 (VCV000327467.10), dbSNP rs778786114, ClinGen allele CA8973949.

ClinVar aggregate classification (germline): Conflicting classifications of pathogenicity. Review status: criteria provided, conflicting classifications (1 of 4 stars). 3 submissions from 3 submitters: Uncertain significance (1); Likely benign (1). 1 of the submissions does not count toward it. Last evaluated 2025-12-18.

Conditions:
ATP8B1-related disorder. Also called: ATP8B1-related disorders; ATP8B1-related condition.
Progressive familial intrahepatic cholestasis type 1. Also called: Severe ATP8B1 Deficiency (Progressive Familial Intrahepatic Cholestasis Type 1 [PFIC1]); Byler's disease; BYLER DISEASE. Identifiers: Orphanet 79306, MedGen C4551898, MONDO:0008892, OMIM 211600.

Allele frequency attached by ClinVar (database versions not stated): TOPMed below 0.00001; gnomAD 0.00001 and 0.00002; gnomAD exomes 0.00001 and 0.00002; ExAC 0.00004; 1000 Genomes Project 30x 0.00016.
gnomAD v4.1: 25 of 1,611,202 alleles (0.0016%); highest among the groups gnomAD compares: South Asian, 0.019%; no homozygotes.

Submissions (3):

Labcorp Genetics (formerly Invitae), Labcorp
Classification: Likely benign. Last evaluated: 2025-12-18. Review status: criteria provided, single submitter. Criteria: Invitae Variant Classification Sherloc (09022015). Collection method: clinical testing. Allele origin: germline.

Illumina Laboratory Services, Illumina
Classification: Uncertain significance for Progressive familial intrahepatic cholestasis type 1. Last evaluated: 2018-01-12. Review status: criteria provided, single submitter. Criteria: ICSL Variant Classification Criteria 13 December 2019. Collection method: clinical testing. Allele origin: germline.

PreventionGenetics, part of Exact Sciences
Classification: Likely benign for ATP8B1-related condition. Last evaluated: 2021-08-25. Review status: no assertion criteria provided. Collection method: clinical testing. Allele origin: germline. Not counted in ClinVar's aggregate classification.
Comment: This variant is classified as likely benign based on ACMG/AMP sequence variant interpretation guidelines (Richards et al. 2015 PMID: 25741868, with internal and published modifications).